The following is an entry in ClinVar:

NM_001128840.3(CACNA1D):c.5834A>G (p.His1945Arg)

Gene: CACNA1D (calcium voltage-gated channel subunit alpha1 D; plus strand). Cytogenetic location: 3p21.1.
Variant type: single nucleotide variant.
Coding change: c.5834A>G on transcript NM_001128840.3 (MANE Select); coding-DNA position 5834, A replaced by G.
Protein change: p.His1945Arg; replaces histidine 1945 with arginine.
Molecular consequence: missense variant.
Genome position (GRCh38, 1-based): chr3:53,808,733, A>G. VCF-style: chr3-53808733-A-G. GRCh37 (hg19) VCF-style: chr3-53842760-A-G.
Other names: c.5894A>G, p.His1965Arg (NM_000720.4); c.5762A>G, p.His1921Arg (NM_001128839.3); short protein forms H1945R, H1965R, H1921R.
Identifiers: ClinVar variation 3001904 (VCV003001904.3), dbSNP rs762956075, ClinGen allele CA2455282.

ClinVar aggregate classification (germline): Uncertain significance (1 of 4 stars; one submission).

Allele frequency attached by ClinVar (database versions not stated): gnomAD exomes below 0.00001; TOPMed below 0.00001; ExAC 0.00002.
gnomAD v4.1: 4 of 1,608,466 alleles (0.00025%); highest among the groups gnomAD compares: Admixed American, 0.0017%; no homozygotes.

Submission:

Labcorp Genetics (formerly Invitae), Labcorp
Classification: Uncertain significance. Last evaluated: 2025-12-16. Review status: criteria provided, single submitter. Criteria: Invitae Variant Classification Sherloc (09022015). Collection method: clinical testing. Allele origin: germline.
Comment: This sequence change replaces histidine, which is basic and polar, with arginine, which is basic and polar, at codon 1965 of the CACNA1D protein (p.His1965Arg). This variant is present in population databases (rs762956075, gnomAD 0.003%). This variant has not been reported in the literature in individuals affected with CACNA1D-related conditions. ClinVar contains an entry for this variant (Variation ID: 3001904). An algorithm developed to predict the effect of missense changes on protein structure and function outputs the following: PolyPhen-2: "Benign". The arginine amino acid residue is found in multiple mammalian species, which suggests that this missense change does not adversely affect protein function. In summary, the available evidence is currently insufficient to determine the role of this variant in disease. Therefore, it has been classified as a Variant of Uncertain Significance.